The following is an entry in ClinVar:

NM_000020.3(ACVRL1):c.848G>T (p.Gly283Val)

Gene: ACVRL1 (activin A receptor like type 1; plus strand). Cytogenetic location: 12q13.13.
Variant type: single nucleotide variant.
Coding change: c.848G>T on transcript NM_000020.3 (MANE Select); coding-DNA position 848, G replaced by T.
Protein change: p.Gly283Val; replaces glycine 283 with valine.
Molecular consequence: missense variant.
Genome position (GRCh38, 1-based): chr12:51,915,300, G>T. VCF-style: chr12-51915300-G-T. GRCh37 (hg19) VCF-style: chr12-52309084-G-T.
Other names: c.848G>T, p.Gly283Val (NM_001077401.2); short protein forms G283V.
Identifiers: ClinVar variation 982489 (VCV000982489.3), dbSNP rs1940804461, ClinGen allele CA384900547.
Genomic context (GRCh38, chr12:51,915,300, plus strand): 5'-ACATGACCTCCCGCAACTCGAGCACGCAGCTGTGGCTCATCACGCACTACCACGAGCACG[G>T]CTCCCTCTACGACTTTCTGCAGAGACAGACGCTGGAGCCCCATCTGGCTCTGAGGCTAGC-3'
Protein context (NP_000011.2, residues 273-293): LWLITHYHEH[Gly283Val]SLYDFLQRQT

ClinVar aggregate classification (germline): Conflicting classifications of pathogenicity. Review status: criteria provided, conflicting classifications (1 of 4 stars). 2 submissions from 2 submitters: Likely pathogenic (1); Uncertain significance (1). Last evaluated 2024-10-30.

Conditions:
Telangiectasia, hereditary hemorrhagic, type 2 (HHT2). Also called: Telangiectasia, hereditary hemorrhagic, type II; ACVRL1-Related Hereditary Hemorrhagic Telangiectasia. Identifiers: Orphanet 774, MedGen C1838163, MONDO:0010880, OMIM 600376. Disease mechanism: loss of function.

Submissions (2):

Labcorp Genetics (formerly Invitae), Labcorp
Classification: Uncertain significance for Telangiectasia, hereditary hemorrhagic, type 2. Last evaluated: 2024-10-30. Review status: criteria provided, single submitter. Criteria: Invitae Variant Classification Sherloc (09022015). Collection method: clinical testing. Allele origin: germline.
Comment: This sequence change replaces glycine, which is neutral and non-polar, with valine, which is neutral and non-polar, at codon 283 of the ACVRL1 protein (p.Gly283Val). This variant is not present in population databases (gnomAD no frequency). This missense change has been observed in individual(s) with clinical features of hereditary hemorrhagic telangiectasia (PMID: 32573726; internal data). ClinVar contains an entry for this variant (Variation ID: 982489). Invitae Evidence Modeling of protein sequence and biophysical properties (such as structural, functional, and spatial information, amino acid conservation, physicochemical variation, residue mobility, and thermodynamic stability) indicates that this missense variant is expected to disrupt ACVRL1 protein function with a positive predictive value of 95%. This variant disrupts the p.Gly283 amino acid residue in ACVRL1. Other variant(s) that disrupt this residue have been observed in individuals with ACVRL1-related conditions (PMID: 29743074), which suggests that this may be a clinically significant amino acid residue. In summary, the available evidence is currently insufficient to determine the role of this variant in disease. Therefore, it has been classified as a Variant of Uncertain Significance.

NIHR Bioresource Rare Diseases, University of Cambridge
Classification: Likely pathogenic for Telangiectasia, hereditary hemorrhagic, type 2. Last evaluated: 2018-01-01. Review status: criteria provided, single submitter. Criteria: ACMG Guidelines, 2015. Collection method: research. Allele origin: unknown. Affected: yes. Observed: 2 variant alleles.
Comment: PM2+PM1+PP4

Literature cited by the submitters: PubMed 32573726 (cited by Labcorp Genetics (formerly Invitae), Labcorp and NIHR Bioresource Rare Diseases, University of Cambridge); PubMed 29743074 (cited by Labcorp Genetics (formerly Invitae), Labcorp).